The following is an entry in ClinVar:

NM_000414.4(HSD17B4):c.1369A>G (p.Asn457Asp)

Gene: HSD17B4 (hydroxysteroid 17-beta dehydrogenase 4; plus strand). Cytogenetic location: 5q23.1.
Variant type: single nucleotide variant.
Coding change: c.1369A>G on transcript NM_000414.4 (MANE Select); coding-DNA position 1369, A replaced by G.
Protein change: p.Asn457Asp; replaces asparagine 457 with aspartic acid.
Molecular consequence: missense variant.
Genome position (GRCh38, 1-based): chr5:119,509,176, A>G. VCF-style: chr5-119509176-A-G. GRCh37 (hg19) VCF-style: chr5-118844871-A-G.
Other names: c.1444A>G, p.Asn482Asp (NM_001199291.3); c.1315A>G, p.Asn439Asp (NM_001199292.2); c.1297A>G, p.Asn433Asp (NM_001292027.2); c.949A>G, p.Asn317Asp (NM_001292028.2); short protein forms N457D, N433D, N439D, N482D, N317D.
Identifiers: ClinVar variation 371413 (VCV000371413.13), dbSNP rs137853097, ClinGen allele CA3382214.

ClinVar aggregate classification (germline): Pathogenic. Review status: criteria provided, multiple submitters, no conflicts (2 of 4 stars). 4 submissions from 4 submitters: Pathogenic (3). 1 of the submissions does not count toward it. Last evaluated 2026-03-05.

Conditions:
Perrault syndrome. Also called: Gonadal dysgenesis with auditory dysfunction, autosomal recessive inheritance. Identifiers: Orphanet 2855, MedGen C0685838, MONDO:0017312.
Bifunctional peroxisomal enzyme deficiency (DBIF). Also called: D-bifunctional protein deficiency; DBP DEFICIENCY; PBFE DEFICIENCY. Identifiers: Orphanet 300, MedGen C0342870, MONDO:0009855, OMIM 261515. Disease mechanism: loss of function.

Allele frequency attached by ClinVar (database versions not stated): TOPMed 0.00001.
gnomAD v4.1: 9 of 1,604,086 alleles (0.00056%); highest among the groups gnomAD compares: Non-Finnish European, 0.00077%; no homozygotes.

Submissions (4):

GeneDx
Classification: Pathogenic. Last evaluated: 2026-03-05. Review status: criteria provided, single submitter. Criteria: GeneDx Variant Classification Process June 2021. Collection method: clinical testing. Allele origin: germline.
Comment: Published functional studies demonstrate significantly decreased hydratase activity (PMID: 22864515, 28649525); Not observed at significant frequency in large population cohorts (gnomAD); In silico analysis supports that this missense variant has a deleterious effect on protein structure/function; This variant is associated with the following publications: (PMID: 10400999, 22864515, 16385454, 28649525, 11165012, 25967389, 8609223, 11330053)

Women's Health and Genetics/Laboratory Corporation of America, LabCorp
Classification: Pathogenic for Bifunctional peroxisomal enzyme deficiency. Last evaluated: 2025-10-15. Review status: criteria provided, single submitter. Criteria: LabCorp Variant Classification Summary - May 2015. Collection method: clinical testing. Allele origin: germline.
Comment: Variant summary: HSD17B4 c.1369A>G (p.Asn457Asp) results in a conservative amino acid change in the encoded protein sequence. Algorithms developed to predict the effect of missense changes on protein structure and function are either unavailable or do not agree on the potential impact of this missense change. The variant allele was found at a frequency of 4e-06 in 251434 control chromosomes. c.1369A>G has been observed in the compound heterozygous state in at least 2 families affected with D-Bifunctional Protein Deficiency (Konkoov_2015, Ferdinandusse_2006). These data indicate that the variant may be associated with disease. A different variant affecting the same codon has been classified as likely pathogenic/pathogenic by our lab (c.1369A>T, p.Asn457Tyr), supporting the critical relevance of codon 457 to HSD17B4 protein function. At least one publication reports experimental evidence evaluating an impact on protein function. The most pronounced variant effect results in <10% of normal activity in vitro (Tsuchida_2015). The following publications have been ascertained in the context of this evaluation (PMID: 25967389, 16385454, 28649525). ClinVar contains an entry for this variant (Variation ID: 371413). Based on the evidence outlined above, the variant was classified as pathogenic.

Labcorp Genetics (formerly Invitae), Labcorp
Classification: Pathogenic for Perrault syndrome; Bifunctional peroxisomal enzyme deficiency. Last evaluated: 2020-03-14. Review status: criteria provided, single submitter. Criteria: Invitae Variant Classification Sherloc (09022015). Collection method: clinical testing. Allele origin: germline.
Comment: This variant has been observed in individual(s) with HSD17B4-related conditions (PMID: 25967389, 16385454). It has also been observed to segregate with disease in related individuals. ClinVar contains an entry for this variant (Variation ID: 371413). This sequence change replaces asparagine with aspartic acid at codon 457 of the HSD17B4 protein (p.Asn457Asp). The asparagine residue is highly conserved and there is a small physicochemical difference between asparagine and aspartic acid. This variant is present in population databases (rs137853097, ExAC 0.001%). This variant has been reported to affect HSD17B4 protein function (PMID: 22864515). This variant disrupts the p.Asn457 amino acid residue in HSD17B4. Other variant(s) that disrupt this residue have been determined to be pathogenic (PMID: 16385454, 23181892, 25882080, 10400999, 22864515). This suggests that this residue is clinically significant, and that variants that disrupt this residue are likely to be disease-causing. For these reasons, this variant has been classified as Pathogenic.

Counsyl
Classification: Likely pathogenic for Bifunctional peroxisomal enzyme deficiency. Last evaluated: 2016-09-19. Review status: no assertion criteria provided. Collection method: clinical testing. Allele origin: unknown. Not counted in ClinVar's aggregate classification.

Literature cited by the submitters: PubMed 25967389 (cited by 3 submitters); PubMed 16385454 (cited by 3 submitters); PubMed 28649525 (cited by Women's Health and Genetics/Laboratory Corporation of America, LabCorp); PubMed 22864515 (cited by Labcorp Genetics (formerly Invitae), Labcorp and Counsyl); PubMed 23181892 (cited by Labcorp Genetics (formerly Invitae), Labcorp); PubMed 25882080 (cited by Labcorp Genetics (formerly Invitae), Labcorp); PubMed 10400999 (cited by Labcorp Genetics (formerly Invitae), Labcorp); PubMed 11330053 (cited by Counsyl).